The following is an entry in ClinVar:

NM_004369.4(COL6A3):c.4032G>A (p.Ser1344=)

Gene: COL6A3 (collagen type VI alpha 3 chain; minus strand). Cytogenetic location: 2q37.3.
Variant type: single nucleotide variant.
Coding change: c.4032G>A on transcript NM_004369.4 (MANE Select); coding-DNA position 4032, G replaced by A.
Protein change: p.Ser1344=; no amino-acid change (serine 1344 retained).
Molecular consequence: synonymous variant.
Genome position (GRCh38, 1-based): chr2:237,371,985, C>T on the plus strand (G>A on the coding strand, the complement: COL6A3 is on the minus strand). VCF-style: chr2-237371985-C-T. GRCh37 (hg19) VCF-style: chr2-238280628-C-T.
Other names: c.2811G>A, p.Ser937= (NM_057164.5); c.3414G>A, p.Ser1138= (NM_057165.5, NM_057167.4); c.2211G>A, p.Ser737= (NM_057166.5).
Identifiers: ClinVar variation 288443 (VCV000288443.43), dbSNP rs145048734, ClinGen allele CA2189014.
Genomic context (GRCh38, chr2:237,371,985, plus strand): 5'-CACGCCAAACTGCTTGAGCTCCACCGCCGGGTCGTCCACCTCATCGTCAGACTTTCCAGA[C>T]GAGATGAGGACCAGGAACTGCGGGACGCCCTCTTCAATGCGGCTCCCCAGGGGCCTCTTG-3'
Protein context (NP_004360.2, residues 1334-1354): EGVPQFLVLI[Ser1344=]SGKSDDEVDD

ClinVar aggregate classification (germline): Benign/Likely benign. Review status: criteria provided, multiple submitters, no conflicts (2 of 4 stars). 6 submissions from 6 submitters: Benign (2); Likely benign (3). 1 of the submissions does not count toward it. Last evaluated 2026-01-13.

Conditions:
COL6A3-related disorder. Also called: COL6A3-related disorders; COL6A3-related condition.
Collagen 6-related myopathy. Identifiers: MedGen CN117976, MONDO:0100225.
Bethlem myopathy 1A. Also called: Bethlem myopathy 1; Bethlem Muscular Dystrophy; MYOPATHY, BENIGN CONGENITAL, WITH CONTRACTURES. Identifiers: Orphanet 610, MedGen CN029274, MONDO:0024530, OMIM 158810.

Allele frequency attached by ClinVar (database versions not stated): gnomAD 0.00015 and 0.00009; 1000 Genomes Project 30x 0.00016; gnomAD exomes 0.00019 and 0.00035; 1000 Genomes Project 0.00020; ESP Exome Variant Server 0.00031; ExAC 0.00041; TOPMed 0.00011.
gnomAD v4.1: 314 of 1,614,144 alleles (0.019%); highest among the groups gnomAD compares: South Asian, 0.23%; 1 homozygote.

Submissions (6):

Labcorp Genetics (formerly Invitae), Labcorp
Classification: Benign for Bethlem myopathy 1A. Last evaluated: 2026-01-13. Review status: criteria provided, single submitter. Criteria: Invitae Variant Classification Sherloc (09022015). Collection method: clinical testing. Allele origin: germline.

CeGaT Center for Human Genetics Tuebingen
Classification: Likely benign. Last evaluated: 2025-11-01. Review status: criteria provided, single submitter. Criteria: CeGaT Center For Human Genetics Tuebingen Variant Classification Criteria Version 2. Collection method: clinical testing. Allele origin: germline. Affected: yes. Observed: 2 variant alleles.
Comment: COL6A3: BP4, BP7

Blueprint Genetics
Classification: Likely benign. Last evaluated: 2024-11-05. Review status: criteria provided, single submitter. Criteria: ACMG Guidelines, 2015. Collection method: clinical testing. Allele origin: germline.

Illumina Laboratory Services, Illumina
Classification: Benign for Collagen VI-related myopathy. Last evaluated: 2018-01-13. Review status: criteria provided, single submitter. Criteria: ICSL Variant Classification Criteria 13 December 2019. Collection method: clinical testing. Allele origin: germline.
Comment: This variant was observed in the ICSL laboratory as part of a predisposition screen in an ostensibly healthy population. It had not been previously curated by ICSL or reported in the Human Gene Mutation Database (HGMD: prior to June 1st, 2018), and was therefore a candidate for classification through an automated scoring system. Utilizing variant allele frequency, disease prevalence and penetrance estimates, and inheritance mode, an automated score was calculated to assess if this variant is too frequent to cause the disease. Based on the score and internal cut-off values, a variant classified as benign is not then subjected to further curation. The score for this variant resulted in a classification of benign for this disease.

Eurofins Ntd Llc (ga)
Classification: Likely benign. Last evaluated: 2016-06-03. Review status: criteria provided, single submitter. Criteria: EGL Classification Definitions 2015. Collection method: clinical testing. Allele origin: germline. Observed: 1 variant allele, 1 heterozygote.

PreventionGenetics, part of Exact Sciences
Classification: Likely benign for COL6A3-related condition. Last evaluated: 2019-06-27. Review status: no assertion criteria provided. Collection method: clinical testing. Allele origin: germline. Not counted in ClinVar's aggregate classification.
Comment: This variant is classified as likely benign based on ACMG/AMP sequence variant interpretation guidelines (Richards et al. 2015 PMID: 25741868, with internal and published modifications).